The following is an entry in ClinVar:

NM_052989.3(IFT122):c.640A>G (p.Ile214Val)

Gene: IFT122 (intraflagellar transport 122; plus strand). Cytogenetic location: 3q21.3.
Variant type: single nucleotide variant.
Coding change: c.640A>G on transcript NM_052989.3 (MANE Select); coding-DNA position 640, A replaced by G.
Protein change: p.Ile214Val; replaces isoleucine 214 with valine.
Molecular consequence: missense variant. On other transcripts: intron variant (4).
Genome position (GRCh38, 1-based): chr3:129,466,966, A>G. VCF-style: chr3-129466966-A-G. GRCh37 (hg19) VCF-style: chr3-129185809-A-G.
Other names: c.190A>G, p.Ile64Val (NM_001280545.2); c.640A>G, p.Ile214Val (NM_001410808.1, NM_001410809.1); c.793A>G, p.Ile265Val (NM_052985.4); c.716+2185A>G (NM_001280541.2); c.563+2185A>G (NM_018262.4); c.113+2185A>G (NM_001280546.2); c.407+2185A>G (NM_052990.3); short protein forms I214V, I265V, I64V.
Identifiers: ClinVar variation 2044060 (VCV002044060.4), dbSNP rs2531531014, ClinGen allele CA354469651.

ClinVar aggregate classification (germline): Uncertain significance (1 of 4 stars; one submission).

Conditions:
Cranioectodermal dysplasia 1 (CED1). Also called: LEVIN SYNDROME I. Identifiers: Orphanet 1515, MedGen C0432235, MONDO:0021093, OMIM 218330.

Submission:

Labcorp Genetics (formerly Invitae), Labcorp
Classification: Uncertain significance for Cranioectodermal dysplasia 1. Last evaluated: 2022-10-29. Review status: criteria provided, single submitter. Criteria: Invitae Variant Classification Sherloc (09022015). Collection method: clinical testing. Allele origin: germline.
Comment: In summary, the available evidence is currently insufficient to determine the role of this variant in disease. Therefore, it has been classified as a Variant of Uncertain Significance. Algorithms developed to predict the effect of missense changes on protein structure and function output the following: SIFT: "Tolerated"; PolyPhen-2: "Benign"; Align-GVGD: "Class C0". The valine amino acid residue is found in multiple mammalian species, which suggests that this missense change does not adversely affect protein function. This variant has not been reported in the literature in individuals affected with IFT122-related conditions. This variant is not present in population databases (gnomAD no frequency). This sequence change replaces isoleucine, which is neutral and non-polar, with valine, which is neutral and non-polar, at codon 265 of the IFT122 protein (p.Ile265Val).